The following is an entry in ClinVar:

ClinVar aggregate classification (germline): Pathogenic (1 of 4 stars; one submission).

Conditions:
Neurofibromatosis, type 1 (NF1). Also called: VON RECKLINGHAUSEN DISEASE; Peripheral type neurofibromatosis; NEUROFIBROMATOSIS, TYPE I, SOMATIC; Neurofibromatosis, type I. Identifiers: Orphanet 636, MedGen C0027831, MONDO:0018975, OMIM 162200. Disease mechanism: loss of function.

Submission:

Labcorp Genetics (formerly Invitae), Labcorp
Classification: Pathogenic for Neurofibromatosis, type 1. Last evaluated: 2025-10-18. Review status: criteria provided, single submitter. Criteria: Invitae Variant Classification Sherloc (09022015). Collection method: clinical testing. Allele origin: germline.
Comment: This sequence change creates a premature translational stop signal (p.Leu2269*) in the NF1 gene. It is expected to result in an absent or disrupted protein product. Loss-of-function variants in NF1 are known to be pathogenic (PMID: 10712197, 23913538). This variant is not present in population databases (gnomAD no frequency). This variant has not been reported in the literature in individuals affected with NF1-related conditions. Algorithms developed to predict the effect of sequence changes on RNA splicing suggest that this variant may disrupt the consensus splice site. For these reasons, this variant has been classified as Pathogenic.

Literature cited by the submitters: PubMed 10712197; PubMed 23913538.

NM_001042492.3(NF1):c.6868del (p.Val2289_Leu2290insTer)

Gene: NF1 (neurofibromin 1; plus strand). Cytogenetic location: 17q11.2.
Variant type: Deletion.
Coding change: c.6868del on transcript NM_001042492.3 (MANE Select); coding-DNA position 6868, one base deleted (C; older notation c.6868delC).
Protein change: p.Val2289_Leu2290insTer.
Molecular consequence: nonsense.
Genome position (GRCh38, 1-based): chr17:31,338,752, C deleted. VCF-style (leftmost placement, unchanged base first): chr17-31338751-TC-T. GRCh37 (hg19) VCF-style: chr17-29665769-TC-T.
Other names: c.6805del, p.Val2268_Leu2269insTer (NM_000267.4).
Identifiers: ClinVar variation 4729423 (VCV004729423.1).